The following is an entry in ClinVar:

ClinVar aggregate classification (germline): Uncertain significance (1 of 4 stars; one submission).

Conditions:
Anauxetic dysplasia. Identifiers: Orphanet 93347, MedGen C1846796, MONDO:0011773.

gnomAD v4.1: 1 of 700,342 alleles (0.00014%); highest among the groups gnomAD compares: South Asian, 0.0015%; no homozygotes.

Submission:

Labcorp Genetics (formerly Invitae), Labcorp
Classification: Uncertain significance for Anauxetic dysplasia. Last evaluated: 2022-08-31. Review status: criteria provided, single submitter. Criteria: Invitae Variant Classification Sherloc (09022015). Collection method: clinical testing. Allele origin: germline.
Comment: In summary, the available evidence is currently insufficient to determine the role of this variant in disease. Therefore, it has been classified as a Variant of Uncertain Significance. Experimental studies and prediction algorithms are not available or were not evaluated, and the functional significance of this variant is currently unknown. ClinVar contains an entry for this variant (Variation ID: 1058960). This variant has not been reported in the literature in individuals affected with RMRP-related conditions. This variant is present in population databases (no rsID available, gnomAD 0.004%). This variant occurs in the RMRP gene, which encodes an RNA molecule that does not result in a protein product.

NC_000009.12:g.35657968G>C

Gene: RMRP (RNA component of mitochondrial RNA processing endoribonuclease; minus strand). Cytogenetic location: 9p13.3.
Variant type: single nucleotide variant.
Genome position: GRCh38 VCF-style: chr9-35657968-G-C. GRCh37 (hg19) VCF-style: chr9-35657965-G-C.
Identifiers: ClinVar variation 1058960 (VCV001058960.9), dbSNP rs1064793373, ClinGen allele CA464450955.